The following is an entry in ClinVar:

ClinVar aggregate classification (germline): Pathogenic/Likely pathogenic. Review status: criteria provided, multiple submitters, no conflicts (2 of 4 stars). 6 submissions from 6 submitters: Pathogenic (3); Likely pathogenic (2). 1 of the submissions does not count toward it. Last evaluated 2025-09-19.

Conditions:
Familial isolated deficiency of vitamin E (AVED). Also called: ATAXIA, FRIEDREICH-LIKE, WITH SELECTIVE VITAMIN E DEFICIENCY; Ataxia with isolated vitamin E deficiency. Identifiers: Orphanet 96, MedGen C1848533, MONDO:0010188, OMIM 277460.

Allele frequency attached by ClinVar (database versions not stated): ExAC 0.00001; gnomAD exomes below 0.00001 and 0.00002; TOPMed 0.00001.
gnomAD v4.1: 4 of 1,605,870 alleles (0.00025%); highest among the groups gnomAD compares: Admixed American, 0.0033%; no homozygotes.

Submissions (6):

3billion
Classification: Pathogenic for Familial isolated deficiency of vitamin E. Last evaluated: 2025-09-19. Review status: criteria provided, single submitter. Criteria: ACMG Guidelines, 2015. Collection method: clinical testing. Allele origin: germline. Affected: yes.
Comment: The variant is observed at an extremely low frequency in the gnomAD v4.1.0 dataset (total allele frequency: <0.001%). Predicted Consequence/Location: Canonical splice site: predicted to alter splicing and result in a loss or disruption of normal protein function. Multiple pathogenic loss-of-function variants are reported downstream of the variant. In silico tools predict the variant to alter splicing and produce an abnormal transcript [SpliceAI: 0.94 (spliceogenicity >=0.2, non-spliceogenicity <0.1)]. The variant has been reported at least twice as pathogenic with clinical assertions and evidence for the classification (ClinVar ID: VCV000370950). Therefore, this variant is classified as Pathogenic according to the recommendation of ACMG/AMP guideline.

Fulgent Genetics
Classification: Likely pathogenic for Familial isolated deficiency of vitamin E. Last evaluated: 2024-05-02. Review status: criteria provided, single submitter. Criteria: ACMG Guidelines, 2015. Collection method: clinical testing. Allele origin: germline.

Labcorp Genetics (formerly Invitae), Labcorp
Classification: Pathogenic. Last evaluated: 2024-04-10. Review status: criteria provided, single submitter. Criteria: Invitae Variant Classification Sherloc (09022015). Collection method: clinical testing. Allele origin: germline.
Comment: This sequence change affects an acceptor splice site in intron 1 of the TTPA gene. It is expected to disrupt RNA splicing. Variants that disrupt the donor or acceptor splice site typically lead to a loss of protein function (PMID: 16199547), and loss-of-function variants in TTPA are known to be pathogenic (PMID: 9463307, 26068213). This variant is present in population databases (rs758349851, gnomAD 0.01%). Disruption of this splice site has been observed in individuals with ataxia with vitamin E deficiency (PMID: 9463307, 24369383). ClinVar contains an entry for this variant (Variation ID: 370950). Algorithms developed to predict the effect of sequence changes on RNA splicing suggest that this variant may disrupt the consensus splice site. For these reasons, this variant has been classified as Pathogenic.

Baylor Genetics
Classification: Likely pathogenic for Familial isolated deficiency of vitamin E. Last evaluated: 2024-02-27. Review status: criteria provided, single submitter. Criteria: ACMG Guidelines, 2015. Collection method: clinical testing. Allele origin: unknown. Study: CSER-TexasKidsCanSeq.

Athena Diagnostics
Classification: Pathogenic. Last evaluated: 2022-02-28. Review status: criteria provided, single submitter. Criteria: Athena Diagnostics Criteria. Collection method: clinical testing. Allele origin: unknown.
Comment: This variant is expected to severely impact normal RNA splicing, and consequently, protein structure and/or function. The frequency of this variant in the general population is consistent with pathogenicity. This variant has been identified in at least one individual tested at Athena Diagnostics with clinical features associated with this gene.

Counsyl
Classification: Likely pathogenic for Familial isolated deficiency of vitamin E. Last evaluated: 2016-05-23. Review status: no assertion criteria provided. Collection method: clinical testing. Allele origin: unknown. Not counted in ClinVar's aggregate classification.

Literature cited by the submitters: PubMed 16199547 (cited by Labcorp Genetics (formerly Invitae), Labcorp); PubMed 9463307 (cited by Labcorp Genetics (formerly Invitae), Labcorp); PubMed 26068213 (cited by Labcorp Genetics (formerly Invitae), Labcorp); PubMed 24369383 (cited by Labcorp Genetics (formerly Invitae), Labcorp).

NM_000370.3(TTPA):c.205-2A>G

Gene: TTPA (alpha tocopherol transfer protein; minus strand). Cytogenetic location: 8q12.3.
Variant type: single nucleotide variant.
Coding change: c.205-2A>G on transcript NM_000370.3 (MANE Select); the canonical splice acceptor site of the intron before coding-DNA position 205, A replaced by G.
Molecular consequence: splice acceptor variant. On other transcripts: intron variant (2).
Genome position (GRCh38, 1-based): chr8:63,073,090, T>C on the plus strand (A>G on the coding strand, the complement: TTPA is on the minus strand). VCF-style: chr8-63073090-T-C. GRCh37 (hg19) VCF-style: chr8-63985649-T-C.
Other names: c.205-11665A>G (NM_001413417.1); c.205-8774A>G (NM_001413414.1); c.205-2A>G (NM_001413415.1, NM_001413416.1, NM_001413418.1).
Identifiers: ClinVar variation 370950 (VCV000370950.16), dbSNP rs758349851, ClinGen allele CA4763300.